The following is an entry in ClinVar:

NM_001100.4(ACTA1):c.355G>C (p.Glu119Gln)

Gene: ACTA1 (actin alpha 1, skeletal muscle; minus strand). Cytogenetic location: 1q42.13.
Variant type: single nucleotide variant.
Coding change: c.355G>C on transcript NM_001100.4 (MANE Select); coding-DNA position 355, G replaced by C.
Protein change: p.Glu119Gln; replaces glutamic acid 119 with glutamine.
Molecular consequence: missense variant.
Genome position (GRCh38, 1-based): chr1:229,432,655, C>G on the plus strand (G>C on the coding strand, the complement: ACTA1 is on the minus strand). VCF-style: chr1-229432655-C-G. GRCh37 (hg19) VCF-style: chr1-229568402-C-G.
Other names: short protein forms E119Q.
Identifiers: ClinVar variation 3376570 (VCV003376570.1).

ClinVar aggregate classification (germline): Likely pathogenic (1 of 4 stars; one submission).

Conditions:
Alpha-actinopathy. Also called: Actinopathy. Identifiers: MedGen CN295279, MONDO:0100084.

Submission:

Victorian Clinical Genetics Services, Murdoch Childrens Research Institute
Classification: Likely pathogenic for Alpha-actinopathy. Last evaluated: 2020-05-26. Review status: criteria provided, single submitter. Criteria: ACMG Guidelines, 2015. Collection method: clinical testing. Allele origin: germline. Affected: yes.
Comment: Based on the classification scheme VCGS_Germline_v1.1.1, this variant is classified as likely pathogenic. Following criteria are met: 0102 - Loss-of-function is a known mechanism of disease for this gene. (N) 0108 - This gene is known to be associated with both recessive and dominant disease, however there is no genotype-phenotype correlation (OMIM). (N) 0200 - Variant is predicted to result in a missense amino acid change from glutamic acid to glutamine (exon 3). (N) 0251 - Variant is heterozygous. (N) 0301 - Variant is absent from gnomAD. (P) 0502 - Missense variant with conflicting in silico predictions and/or uninformative conservation. (N) 0603 - Missense variant in a region that is highly intolerant to missense variation (high constraint region). (P) 0705 - No comparable variants have previous evidence for pathogenicity. (N) 0803 - Low previous evidence of pathogenicity, reported in one individual with severe nemaline myopathy (PMID:29328520). (P) 0905 - No segregation evidence has been identified for this variant. (N) 1007 - No published functional evidence has been identified for this variant. (P) Legend: (P) - Pathogenic, (N) - Neutral, (B) - Benign

Literature cited by the submitters: PubMed 29328520.